The following is an entry in ClinVar:

NM_181882.3(PRX):c.3736A>C (p.Lys1246Gln)

Gene: PRX (periaxin; minus strand). Cytogenetic location: 19q13.2.
Variant type: single nucleotide variant.
Coding change: c.3736A>C on transcript NM_181882.3 (MANE Select); coding-DNA position 3736, A replaced by C.
Protein change: p.Lys1246Gln; replaces lysine 1246 with glutamine.
Molecular consequence: missense variant. On other transcripts: 3 prime UTR variant (1).
Genome position (GRCh38, 1-based): chr19:40,394,616, T>G on the plus strand (A>C on the coding strand, the complement: PRX is on the minus strand). VCF-style: chr19-40394616-T-G. GRCh37 (hg19) VCF-style: chr19-40900523-T-G.
Other names: c.4021A>C, p.Lys1341Gln (NM_001411127.1); c.*3941A>C (NM_020956.2); short protein forms K1246Q, K1341Q.
Identifiers: ClinVar variation 4084393 (VCV004084393.8).

ClinVar aggregate classification (germline): Uncertain significance (1 of 4 stars; one submission).

gnomAD v4.1: 5 of 1,607,526 alleles (0.00031%); highest among the groups gnomAD compares: Non-Finnish European, 0.00042%; no homozygotes.

Submission:

CeGaT Center for Human Genetics Tuebingen
Classification: Uncertain significance. Last evaluated: 2025-06-01. Review status: criteria provided, single submitter. Criteria: CeGaT Center For Human Genetics Tuebingen Variant Classification Criteria Version 2. Collection method: clinical testing. Allele origin: germline. Affected: yes. Observed: 1 variant allele.
Comment: PRX: PM2